The following is an entry in ClinVar:

NM_032383.5(HPS3):c.380_381insACATACGCATAATT (p.Ile128fs)

Gene: HPS3 (HPS3 biogenesis of lysosomal organelles complex 2 subunit 1; plus strand). Cytogenetic location: 3q24.
Variant type: Insertion.
Coding change: c.380_381insACATACGCATAATT on transcript NM_032383.5 (MANE Select); coding-DNA positions 380 to 381, ACATACGCATAATT inserted.
Protein change: p.Ile128fs; shifts the reading frame from isoleucine 128.
Molecular consequence: frameshift variant. On other transcripts: intron variant (1).
Genome position: GRCh38 VCF-style: chr3-149140165-A-ATACATACGCATAAT. GRCh37 (hg19) VCF-style: chr3-148857952-A-ATACATACGCATAAT.
Other names: c.218-851_218-850insACATACGCATAATT (NM_001308258.2); short protein forms I128fs.
Identifiers: ClinVar variation 5010739 (VCV005010739.1).

ClinVar aggregate classification (germline): Pathogenic (1 of 4 stars; one submission).

Conditions:
Hermansky-Pudlak syndrome 3 (HPS3). Identifiers: Orphanet 231512, Orphanet 79430, MedGen C3888001, MONDO:0013555, OMIM 614072.

Submission:

Myriad Genetics, Inc.
Classification: Pathogenic for Hermansky-Pudlak syndrome 3. Last evaluated: 2024-05-14. Review status: criteria provided, single submitter. Criteria: Myriad Autosomal Dominant, Autosomal Recessive and X-Linked Classification Criteria (2023). Collection method: clinical testing. Allele origin: unknown.
Comment: NM_032383.3(HPS3):c.380_381ins14(I128Hfs*22) is expected to be pathogenic in the context of Hermansky-Pudlak syndrome, HPS3-related. This variant is predicted to lead to an abnormal or absent protein product due to the creation of a premature termination codon in HPS3, a gene where loss-of-function variants are known to be pathogenic. Please note: this variant was assessed in the context of healthy population screening.